The following is an entry in ClinVar:

ClinVar aggregate classification (germline): Uncertain significance. Review status: criteria provided, multiple submitters, no conflicts (2 of 4 stars). 3 submissions from 3 submitters: Uncertain significance (3). Last evaluated 2024-12-09.

Conditions:
Epilepsy, idiopathic generalized, susceptibility to, 13. Also called: EPILEPSY, JUVENILE MYOCLONIC, SUSCEPTIBILITY TO, 5. Identifiers: Orphanet 307, Orphanet 64280, MedGen C4013473, MONDO:0012627, OMIM 611136.
Epilepsy, childhood absence 4 (ECA4). Also called: EPILEPSY, CHILDHOOD ABSENCE, SUSCEPTIBILITY TO, 4. Identifiers: Orphanet 307, MedGen C1970160.
Idiopathic generalized epilepsy. Also called: Generalised epilepsy; EIG. Identifiers: MedGen C0270850, MONDO:0005579, OMIM 600669.
Inborn genetic diseases. Identifiers: MedGen C0950123, MeSH D030342.

Allele frequency attached by ClinVar (database versions not stated): TOPMed 0.00001.
gnomAD v4.1: 13 of 1,614,098 alleles (0.00081%); highest among the groups gnomAD compares: African/African-American, 0.0013%; no homozygotes.

Submissions (3):

Athena Diagnostics
Classification: Uncertain significance. Last evaluated: 2024-12-09. Review status: criteria provided, single submitter. Criteria: Athena Diagnostics Criteria. Collection method: clinical testing. Allele origin: unknown.
Comment: Available data are insufficient to determine the clinical significance of the variant at this time. The frequency of this variant in the general population is uninformative in assessment of its pathogenicity. Polyphen and MutationTaster predict this amino acid change may be benign.

Labcorp Genetics (formerly Invitae), Labcorp
Classification: Uncertain significance for Epilepsy, childhood absence 4; Epilepsy, idiopathic generalized, susceptibility to, 13; Idiopathic generalized epilepsy. Last evaluated: 2021-07-04. Review status: criteria provided, single submitter. Criteria: Invitae Variant Classification Sherloc (09022015). Collection method: clinical testing. Allele origin: germline.
Comment: In summary, the available evidence is currently insufficient to determine the role of this variant in disease. Therefore, it has been classified as a Variant of Uncertain Significance. This sequence change replaces glutamic acid with lysine at codon 403 of the GABRA1 protein (p.Glu403Lys). The glutamic acid residue is moderately conserved and there is a small physicochemical difference between glutamic acid and lysine. This variant is present in population databases (rs775157869, ExAC 0.001%). This variant has not been reported in the literature in individuals affected with GABRA1-related conditions. Algorithms developed to predict the effect of missense changes on protein structure and function (SIFT, PolyPhen-2, Align-GVGD) all suggest that this variant is likely to be tolerated.

Ambry Genetics
Classification: Uncertain significance for Inborn genetic diseases. Last evaluated: 2021-06-16. Review status: criteria provided, single submitter. Criteria: Ambry Variant Classification Scheme 2023. Collection method: clinical testing. Allele origin: germline.

Literature cited by the submitters: PubMed 37606373 (cited by Athena Diagnostics).

NM_001127644.2(GABRA1):c.1207G>A (p.Glu403Lys)

Gene: GABRA1 (gamma-aminobutyric acid type A receptor subunit alpha1; plus strand). Cytogenetic location: 5q34.
Variant type: single nucleotide variant.
Coding change: c.1207G>A on transcript NM_001127644.2 (MANE Select); coding-DNA position 1207, G replaced by A.
Protein change: p.Glu403Lys; replaces glutamic acid 403 with lysine.
Molecular consequence: missense variant.
Genome position (GRCh38, 1-based): chr5:161,897,258, G>A. VCF-style: chr5-161897258-G-A. GRCh37 (hg19) VCF-style: chr5-161324264-G-A.
Other names: c.1207G>A, p.Glu403Lys (NM_000806.5, NM_001127643.2, NM_001127645.2 and 1 more transcripts); short protein forms E403K.
Identifiers: ClinVar variation 1503548 (VCV001503548.11), dbSNP rs775157869, ClinGen allele CA3544594.
Genomic context (GRCh38, chr5:161,897,258, plus strand): 5'-GACCCGGGCTTAGCCACCATTGCTAAAAGTGCAACCATAGAACCTAAAGAGGTCAAGCCC[G>A]AAACAAAACCACCAGAACCCAAGAAAACCTTTAACAGTGTCAGCAAAATTGACCGACTGT-3'
Protein context (NP_001121116.1, residues 393-413): ATIEPKEVKP[Glu403Lys]TKPPEPKKTF